The following is an entry in ClinVar:

NM_001256545.2(MEGF10):c.1503C>T (p.Cys501=)

Gene: MEGF10 (multiple EGF like domains 10; plus strand). Cytogenetic location: 5q23.2.
Variant type: single nucleotide variant.
Coding change: c.1503C>T on transcript NM_001256545.2 (MANE Select); coding-DNA position 1503, C replaced by T.
Protein change: p.Cys501=; no amino-acid change (cysteine 501 retained).
Molecular consequence: synonymous variant.
Genome position (GRCh38, 1-based): chr5:127,420,120, C>T. VCF-style: chr5-127420120-C-T. GRCh37 (hg19) VCF-style: chr5-126755812-C-T.
Other names: c.1503C>T, p.Cys501= (NM_001308119.2, NM_001308121.2, NM_032446.3).
Identifiers: ClinVar variation 3390002 (VCV003390002.14).

ClinVar aggregate classification (germline): Likely benign (1 of 4 stars; one submission).

Submission:

CeGaT Center for Human Genetics Tuebingen
Classification: Likely benign. Last evaluated: 2024-10-01. Review status: criteria provided, single submitter. Criteria: CeGaT Center For Human Genetics Tuebingen Variant Classification Criteria Version 2. Collection method: clinical testing. Allele origin: germline. Affected: yes. Observed: 1 variant allele.
Comment: MEGF10: PM2:Supporting, BP4, BP7